The following is an entry in ClinVar:

ClinVar aggregate classification (germline): Likely benign. Review status: criteria provided, multiple submitters, no conflicts (2 of 4 stars). 4 submissions from 4 submitters: Likely benign (4). Last evaluated 2026-02-17.

Conditions:
MYH14-related disorder. Also called: MYH14-related condition.

Allele frequency attached by ClinVar (database versions not stated): ExAC 0.00009; gnomAD 0.00011 and 0.00012; gnomAD exomes 0.00011 and 0.00022.
gnomAD v4.1: 337 of 1,606,568 alleles (0.021%); highest among the groups gnomAD compares: Non-Finnish European, 0.027%; no homozygotes.

Submissions (4):

PreventionGenetics, part of Exact Sciences
Classification: Likely benign for MYH14-related condition. Last evaluated: 2026-02-17. Review status: criteria provided, single submitter. Criteria: ACMG Guidelines, 2015. Collection method: clinical testing. Allele origin: germline.
Comment: This variant is classified as likely benign based on ACMG/AMP sequence variant interpretation guidelines (Richards et al. 2015 PMID: 25741868, with internal and published modifications).

Mayo Clinic Laboratories, Mayo Clinic
Classification: Likely benign. Last evaluated: 2024-10-09. Review status: criteria provided, single submitter. Criteria: ACMG Guidelines, 2015. Collection method: clinical testing. Allele origin: germline. Observed: 3 variant alleles.
Comment: BS2, BP4, BP7

Labcorp Genetics (formerly Invitae), Labcorp
Classification: Likely benign. Last evaluated: 2023-06-06. Review status: criteria provided, single submitter. Criteria: Invitae Variant Classification Sherloc (09022015). Collection method: clinical testing. Allele origin: germline.

GeneDx
Classification: Likely benign. Last evaluated: 2021-06-11. Review status: criteria provided, single submitter. Criteria: GeneDx Variant Classification Process June 2021. Collection method: clinical testing. Allele origin: germline. Affected: yes.

NM_001145809.2(MYH14):c.3819C>T (p.Ala1273=)

Gene: MYH14 (myosin heavy chain 14; plus strand). Cytogenetic location: 19q13.33.
Variant type: single nucleotide variant.
Coding change: c.3819C>T on transcript NM_001145809.2 (MANE Select); coding-DNA position 3819, C replaced by T.
Protein change: p.Ala1273=; no amino-acid change (alanine 1273 retained).
Molecular consequence: synonymous variant.
Genome position (GRCh38, 1-based): chr19:50,276,895, C>T. VCF-style: chr19-50276895-C-T. GRCh37 (hg19) VCF-style: chr19-50780152-C-T.
Other names: p.Ala1232=; c.3720C>T, p.Ala1240= (NM_001077186.2); c.3696C>T, p.Ala1232= (NM_024729.4); c.3819C>T (NM_001145809.1).
Identifiers: ClinVar variation 329933 (VCV000329933.17), dbSNP rs750779364, ClinGen allele CA9593322.
Genomic context (GRCh38, chr19:50,276,895, plus strand): 5'-GGAGCTGAGGCAGCGCCACGGCCAGGCCCTGGGGGAGCTGGCGGAGCAGCTGGAGCAGGC[C>T]CGGAGGGTGGGTTGGGGCAGGGGGACAGGGCAGGGGGGCCACGGGGAGGGCAGGGCAGGA-3'
Protein context (NP_001139281.1, residues 1263-1283): LGELAEQLEQ[Ala1273=]RRGKGAWEKT